The following is an entry in ClinVar:

ClinVar aggregate classification (germline): Uncertain significance. Review status: criteria provided, single submitter (1 of 4 stars). 3 submissions from 3 submitters: Uncertain significance (1). 2 of the submissions do not count toward it. Last evaluated 2024-02-29.

Allele frequency attached by ClinVar (database versions not stated): ExAC 0.00001; gnomAD 0.00001; gnomAD exomes 0.00001 and 0.00002; TOPMed 0.00001; ESP Exome Variant Server 0.00008.
gnomAD v4.1: 9 of 1,613,656 alleles (0.00056%); highest among the groups gnomAD compares: Non-Finnish European, 0.00076%; no homozygotes.

Submissions (3):

Mayo Clinic Laboratories, Mayo Clinic
Classification: Uncertain significance. Last evaluated: 2024-02-29. Review status: criteria provided, single submitter. Criteria: ACMG Guidelines, 2015. Collection method: clinical testing. Allele origin: germline. Observed: 1 variant allele.
Comment: BP4

Diagnostic Laboratory, Department of Genetics, University Medical Center Groningen
Classification: Likely benign. Review status: no assertion criteria provided. Collection method: clinical testing. Allele origin: germline. Affected: yes. Study: VKGL Data-share Consensus. Not counted in ClinVar's aggregate classification.

Joint Genome Diagnostic Labs from Nijmegen and Maastricht, Radboudumc and MUMC+
Classification: Likely benign. Review status: no assertion criteria provided. Collection method: clinical testing. Allele origin: germline. Affected: yes. Study: VKGL Data-share Consensus. Not counted in ClinVar's aggregate classification.

NM_001267550.2(TTN):c.90799A>G (p.Thr30267Ala)

Genes: TTN (titin; minus strand), TTN-AS1 (TTN antisense RNA 1; plus strand). Cytogenetic location: 2q31.2.
Variant type: single nucleotide variant.
Coding change: c.90799A>G on transcript NM_001267550.2 (MANE Select); coding-DNA position 90799, A replaced by G.
Protein change: p.Thr30267Ala; replaces threonine 30267 with alanine.
Molecular consequence: missense variant.
Genome position (GRCh38, 1-based): chr2:178,552,101, T>C on the plus strand (A>G on the coding strand, the complement: TTN is on the minus strand). VCF-style: chr2-178552101-T-C. GRCh37 (hg19) VCF-style: chr2-179416828-T-C.
Other names: p.Thr27699Ala; c.85876A>G, p.Thr28626Ala (NM_001256850.1); c.63604A>G, p.Thr21202Ala (NM_003319.4); c.83095A>G, p.Thr27699Ala (NM_133378.4); c.63979A>G, p.Thr21327Ala (NM_133432.3); c.64180A>G, p.Thr21394Ala (NM_133437.4); short protein forms T21202A, T21327A, T21394A, T27699A, T28626A, T30267A.
Identifiers: ClinVar variation 1175079 (VCV001175079.6), dbSNP rs377365979, ClinGen allele CA1987740.
Genomic context (GRCh38, chr2:178,552,101, plus strand): 5'-GAACTTTGAAAGTCGTTCTGGCAACACTTGAACACACCATCTTCCAGTTAGTTTGTGAAG[T>C]TTCCCGCTTCTCGATGCTGTAACAAGTAATTTCTCCTCCTCCATTATCTTCAGGTACATC-3'
Protein context (NP_001254479.2, residues 30257-30277): ITCYSIEKRE[Thr30267Ala]SQTNWKMVCS